The following is an entry in ClinVar:

ClinVar aggregate classification (germline): Uncertain significance (1 of 4 stars; one submission).

Allele frequency attached by ClinVar (database versions not stated): gnomAD exomes 0.00002; ExAC 0.00003; gnomAD 0.00004; TOPMed 0.00007.
gnomAD v4.1: 29 of 1,511,798 alleles (0.0019%); highest among the groups gnomAD compares: African/African-American, 0.013%; no homozygotes.

Submission:

Labcorp Genetics (formerly Invitae), Labcorp
Classification: Uncertain significance. Last evaluated: 2024-05-06. Review status: criteria provided, single submitter. Criteria: Invitae Variant Classification Sherloc (09022015). Collection method: clinical testing. Allele origin: germline.
Comment: This sequence change replaces valine, which is neutral and non-polar, with methionine, which is neutral and non-polar, at codon 2168 of the CACNA1B protein (p.Val2168Met). The frequency data for this variant in the population databases is considered unreliable, as metrics indicate poor data quality at this position in the gnomAD database. This variant has not been reported in the literature in individuals affected with CACNA1B-related conditions. ClinVar contains an entry for this variant (Variation ID: 2168486). An algorithm developed to predict the effect of missense changes on protein structure and function (PolyPhen-2) suggests that this variant is likely to be disruptive. In summary, the available evidence is currently insufficient to determine the role of this variant in disease. Therefore, it has been classified as a Variant of Uncertain Significance.

NM_000718.4(CACNA1B):c.6502G>A (p.Val2168Met)

Gene: CACNA1B (calcium voltage-gated channel subunit alpha1 B; plus strand). Cytogenetic location: 9q34.3.
Variant type: single nucleotide variant.
Coding change: c.6502G>A on transcript NM_000718.4 (MANE Select); coding-DNA position 6502, G replaced by A.
Protein change: p.Val2168Met; replaces valine 2168 with methionine.
Molecular consequence: missense variant. On other transcripts: intron variant (1).
Genome position (GRCh38, 1-based): chr9:138,121,481, G>A. VCF-style: chr9-138121481-G-A. GRCh37 (hg19) VCF-style: chr9-141015933-G-A.
Other names: c.6490-175G>A (NM_001243812.2); short protein forms V2168M.
Identifiers: ClinVar variation 2168486 (VCV002168486.2), dbSNP rs767305744, ClinGen allele CA5377747.